The following is an entry in ClinVar:

NM_000059.4(BRCA2):c.7900_7901insAT (p.Met2634fs)

Gene: BRCA2 (BRCA2 DNA repair associated; plus strand). Cytogenetic location: 13q13.1.
Variant type: Insertion.
Coding change: c.7900_7901insAT on transcript NM_000059.4 (MANE Select); coding-DNA positions 7900 to 7901, AT inserted.
Protein change: p.Met2634fs; shifts the reading frame from methionine 2634.
Molecular consequence: frameshift variant. On other transcripts: non-coding transcript variant (1).
Genome position: GRCh38 VCF-style: chr13-32362617-A-AAT. GRCh37 (hg19) VCF-style: chr13-32936754-A-AAT.
Other names: c.7804_7805insAT, p.Met2602fs (NM_001406719.1); c.7900_7901insAT, p.Met2634fs (NM_001406720.1, NM_001432077.1); c.2968_2969insAT, p.Met990fs (NM_001406721.1); c.1483_1484insAT, p.Met495fs (NM_001406722.1); short protein forms M2634fs, M495fs, M2602fs, M990fs.
Identifiers: ClinVar variation 3482075 (VCV003482075.2).

ClinVar aggregate classification (germline): Pathogenic. Review status: criteria provided, multiple submitters, no conflicts (2 of 4 stars). 2 submissions from 2 submitters: Pathogenic (2). Last evaluated 2025-09-04.

Conditions:
Hereditary cancer-predisposing syndrome. Also called: Tumor predisposition; Neoplastic Syndromes, Hereditary; Hereditary Cancer Syndrome; Hereditary neoplastic syndrome. Identifiers: Orphanet 140162, MedGen C0027672, MeSH D009386, MONDO:0015356.
Hereditary breast ovarian cancer syndrome. Also called: Hereditary breast and ovarian cancer; Breast and ovarian cancer; Hereditary breast and/or ovarian cancer syndrome; Hereditary breast and ovarian cancer syndrome; BRCA1- and BRCA2-Associated Hereditary Breast and Ovarian Cancer; Hereditary breast and ovarian cancer syndrome (HBOC). Identifiers: Orphanet 145, MedGen C0677776, MeSH D061325, MONDO:0003582. Disease mechanism: loss of function.

Submissions (2):

Labcorp Genetics (formerly Invitae), Labcorp
Classification: Pathogenic for Hereditary breast ovarian cancer syndrome. Last evaluated: 2025-09-04. Review status: criteria provided, single submitter. Criteria: Invitae Variant Classification Sherloc (09022015). Collection method: clinical testing. Allele origin: germline.
Comment: This sequence change creates a premature translational stop signal (p.Met2634Asnfs*15) in the BRCA2 gene. It is expected to result in an absent or disrupted protein product. Loss-of-function variants in BRCA2 are known to be pathogenic (PMID: 20104584). This variant is not present in population databases (gnomAD no frequency). This variant has not been reported in the literature in individuals affected with BRCA2-related conditions. ClinVar contains an entry for this variant (Variation ID: 3482075). RNA analysis performed to evaluate the impact of this premature translational stop signal on mRNA splicing indicates it does not significantly alter splicing (internal data). For these reasons, this variant has been classified as Pathogenic.

Ambry Genetics
Classification: Pathogenic for Hereditary cancer-predisposing syndrome. Last evaluated: 2024-09-14. Review status: criteria provided, single submitter. Criteria: Ambry Variant Classification Scheme 2023. Collection method: clinical testing. Allele origin: germline.
Comment: The c.7900_7901insAT pathogenic mutation, located in coding exon 16 of the BRCA2 gene, results from an insertion of two nucleotides at position 7900, causing a translational frameshift with a predicted alternate stop codon (p.M2634Nfs*15). This variant is considered to be rare based on population cohorts in the Genome Aggregation Database (gnomAD). This alteration is expected to result in loss of function by premature protein truncation or nonsense-mediated mRNA decay. As such, this alteration is interpreted as a disease-causing mutation.

Literature cited by the submitters: PubMed 20104584 (cited by Labcorp Genetics (formerly Invitae), Labcorp).